The following is an entry in ClinVar:

ClinVar aggregate classification (germline): Uncertain significance (1 of 4 stars; one submission).

Conditions:
Cohen syndrome (COH1). Also called: Cutis verticis gyrata, retinitis pigmentosa, and sensorineural deafness; PEPPER SYNDROME. Identifiers: Orphanet 193, MedGen C0265223, MONDO:0008999, OMIM 216550.

Submission:

Labcorp Genetics (formerly Invitae), Labcorp
Classification: Uncertain significance for Cohen syndrome. Last evaluated: 2023-05-05. Review status: criteria provided, single submitter. Criteria: Invitae Variant Classification Sherloc (09022015). Collection method: clinical testing. Allele origin: germline.
Comment: This sequence change replaces lysine, which is basic and polar, with asparagine, which is neutral and polar, at codon 121 of the VPS13B protein (p.Lys121Asn). This variant has not been reported in the literature in individuals affected with VPS13B-related conditions. Advanced modeling of protein sequence and biophysical properties (such as structural, functional, and spatial information, amino acid conservation, physicochemical variation, residue mobility, and thermodynamic stability) performed at Invitae indicates that this missense variant is expected to disrupt VPS13B protein function. In summary, the available evidence is currently insufficient to determine the role of this variant in disease. Therefore, it has been classified as a Variant of Uncertain Significance. This variant is not present in population databases (gnomAD no frequency).

NM_152564.5(VPS13B):c.363A>T (p.Lys121Asn)

Gene: VPS13B (vacuolar protein sorting 13 homolog B; plus strand). Cytogenetic location: 8q22.2.
Variant type: single nucleotide variant.
Coding change: c.363A>T on transcript NM_152564.5 (MANE Select); coding-DNA position 363, A replaced by T.
Protein change: p.Lys121Asn; replaces lysine 121 with asparagine.
Molecular consequence: missense variant. On other transcripts: non-coding transcript variant (1).
Genome position (GRCh38, 1-based): chr8:99,096,383, A>T. VCF-style: chr8-99096383-A-T. GRCh37 (hg19) VCF-style: chr8-100108611-A-T.
Other names: c.363A>T, p.Lys121Asn (NM_015243.3, NM_017890.5, NM_181661.3); short protein forms K121N.
Identifiers: ClinVar variation 2862150 (VCV002862150.2), dbSNP rs2488605169, ClinGen allele CA371858158.